The following is an entry in ClinVar:

NM_000435.3(NOTCH3):c.3982C>A (p.Pro1328Thr)

Gene: NOTCH3 (notch receptor 3; minus strand). Cytogenetic location: 19p13.12.
Variant type: single nucleotide variant.
Coding change: c.3982C>A on transcript NM_000435.3 (MANE Select); coding-DNA position 3982, C replaced by A.
Protein change: p.Pro1328Thr; replaces proline 1328 with threonine.
Molecular consequence: missense variant.
Genome position (GRCh38, 1-based): chr19:15,177,946, G>T on the plus strand (C>A on the coding strand, the complement: NOTCH3 is on the minus strand). VCF-style: chr19-15177946-G-T. GRCh37 (hg19) VCF-style: chr19-15288757-G-T.
Other names: short protein forms P1328T.
Identifiers: ClinVar variation 1362585 (VCV001362585.8), dbSNP rs2145415421, ClinGen allele CA404505724.

ClinVar aggregate classification (germline): Uncertain significance (1 of 4 stars; one submission).

Submission:

Labcorp Genetics (formerly Invitae), Labcorp
Classification: Uncertain significance. Last evaluated: 2021-06-20. Review status: criteria provided, single submitter. Criteria: Invitae Variant Classification Sherloc (09022015). Collection method: clinical testing. Allele origin: germline.
Comment: This sequence change replaces proline with threonine at codon 1328 of the NOTCH3 protein (p.Pro1328Thr). The proline residue is weakly conserved and there is a small physicochemical difference between proline and threonine. The frequency data for this variant in the population databases is considered unreliable, as metrics indicate insufficient coverage at this position in the ExAC database. This variant has not been reported in the literature in individuals with NOTCH3-related conditions. Advanced modeling of protein sequence and biophysical properties (such as structural, functional, and spatial information, amino acid conservation, physicochemical variation, residue mobility, and thermodynamic stability) performed at Invitae indicates that this missense variant is not expected to disrupt NOTCH3 protein function. In summary, the available evidence is currently insufficient to determine the role of this variant in disease. Therefore, it has been classified as a Variant of Uncertain Significance.